The following is an entry in ClinVar:

ClinVar aggregate classification (germline): Uncertain significance. Review status: criteria provided, multiple submitters, no conflicts (2 of 4 stars). 2 submissions from 2 submitters: Uncertain significance (2). Last evaluated 2025-06-29.

Conditions:
Hereditary cancer-predisposing syndrome. Also called: Hereditary Cancer Syndrome; Tumor predisposition; Neoplastic Syndromes, Hereditary; Hereditary neoplastic syndrome. Identifiers: Orphanet 140162, MedGen C0027672, MeSH D009386, MONDO:0015356.

Allele frequency attached by ClinVar (database versions not stated): gnomAD exomes below 0.00001.
gnomAD v4.1: 3 of 1,606,814 alleles (0.00019%); highest among the groups gnomAD compares: Non-Finnish European, 0.00026%; no homozygotes.

Submissions (2):

Labcorp Genetics (formerly Invitae), Labcorp
Classification: Uncertain significance. Last evaluated: 2025-06-29. Review status: criteria provided, single submitter. Criteria: Invitae Variant Classification Sherloc (09022015). Collection method: clinical testing. Allele origin: germline.
Comment: This sequence change replaces methionine, which is neutral and non-polar, with isoleucine, which is neutral and non-polar, at codon 2 of the SMARCB1 protein (p.Met2Ile). This variant is not present in population databases (gnomAD no frequency). This variant has not been reported in the literature in individuals affected with SMARCB1-related conditions. ClinVar contains an entry for this variant (Variation ID: 2728217). An algorithm developed to predict the effect of missense changes on protein structure and function (PolyPhen-2) suggests that this variant is likely to be tolerated. In summary, the available evidence is currently insufficient to determine the role of this variant in disease. Therefore, it has been classified as a Variant of Uncertain Significance.

Ambry Genetics
Classification: Uncertain significance for Hereditary cancer-predisposing syndrome. Last evaluated: 2025-05-25. Review status: criteria provided, single submitter. Criteria: Ambry Variant Classification Scheme 2023. Collection method: clinical testing. Allele origin: germline.
Comment: The p.M2I variant (also known as c.6G>A), located in coding exon 1 of the SMARCB1 gene, results from a G to A substitution at nucleotide position 6. The methionine at codon 2 is replaced by isoleucine, an amino acid with highly similar properties. This amino acid position is conserved. In addition, the in silico prediction for this alteration is inconclusive. Based on the available evidence, the clinical significance of this variant remains unclear.

NM_003073.5(SMARCB1):c.6G>A (p.Met2Ile)

Gene: SMARCB1 (SWI/SNF related BAF chromatin remodeling complex subunit B1; plus strand). Cytogenetic location: 22q11.23.
Variant type: single nucleotide variant.
Coding change: c.6G>A on transcript NM_003073.5 (MANE Select); coding-DNA position 6, G replaced by A.
Protein change: p.Met2Ile; replaces methionine 2 with isoleucine.
Molecular consequence: missense variant.
Genome position (GRCh38, 1-based): chr22:23,787,175, G>A. VCF-style: chr22-23787175-G-A. GRCh37 (hg19) VCF-style: chr22-24129362-G-A.
Other names: c.6G>A, p.Met2Ile (NM_001007468.3, NM_001317946.2, NM_001362877.2); short protein forms M2I.
Identifiers: ClinVar variation 2728217 (VCV002728217.4), dbSNP rs2517652401, ClinGen allele CA410930363.